The following is an entry in ClinVar:

NM_001792.5(CDH2):c.2525C>T (p.Ala842Val)

Genes: CDH2 (cadherin 2; minus strand), CDH2-AS1 (CDH2 antisense RNA 1; plus strand). Cytogenetic location: 18q12.1.
Variant type: single nucleotide variant.
Coding change: c.2525C>T on transcript NM_001792.5 (MANE Select); coding-DNA position 2525, C replaced by T.
Protein change: p.Ala842Val; replaces alanine 842 with valine.
Molecular consequence: missense variant.
Genome position (GRCh38, 1-based): chr18:27,952,349, G>A on the plus strand (C>T on the coding strand, the complement: CDH2 is on the minus strand). VCF-style: chr18-27952349-G-A. GRCh37 (hg19) VCF-style: chr18-25532313-G-A.
Other names: c.2432C>T, p.Ala811Val (NM_001308176.2); short protein forms A811V, A842V.
Identifiers: ClinVar variation 1792586 (VCV001792586.5), dbSNP rs370333144, ClinGen allele CA8923113.

ClinVar aggregate classification (germline): Uncertain significance. Review status: criteria provided, multiple submitters, no conflicts (2 of 4 stars). 2 submissions from 2 submitters: Uncertain significance (2). Last evaluated 2025-07-30.

Conditions:
Inborn genetic diseases. Identifiers: MedGen C0950123, MeSH D030342.

Allele frequency attached by ClinVar (database versions not stated): gnomAD exomes 0.00001; ExAC 0.00004; gnomAD 0.00001; ESP Exome Variant Server 0.00008; TOPMed 0.00002.
gnomAD v4.1: 16 of 1,613,070 alleles (0.00099%); highest among the groups gnomAD compares: Admixed American, 0.005%; no homozygotes.

Submissions (2):

Labcorp Genetics (formerly Invitae), Labcorp
Classification: Uncertain significance. Last evaluated: 2025-07-30. Review status: criteria provided, single submitter. Criteria: Invitae Variant Classification Sherloc (09022015). Collection method: clinical testing. Allele origin: germline.
Comment: This sequence change replaces alanine, which is neutral and non-polar, with valine, which is neutral and non-polar, at codon 842 of the CDH2 protein (p.Ala842Val). This variant is present in population databases (rs370333144, gnomAD 0.01%). This variant has not been reported in the literature in individuals affected with CDH2-related conditions. ClinVar contains an entry for this variant (Variation ID: 1792586). An algorithm developed to predict the effect of missense changes on protein structure and function (PolyPhen-2) suggests that this variant is likely to be disruptive. In summary, the available evidence is currently insufficient to determine the role of this variant in disease. Therefore, it has been classified as a Variant of Uncertain Significance.

Ambry Genetics
Classification: Uncertain significance for Inborn genetic diseases. Last evaluated: 2024-10-24. Review status: criteria provided, single submitter. Criteria: Ambry Variant Classification Scheme 2023. Collection method: clinical testing. Allele origin: germline.